The following is an entry in ClinVar:

NM_001429.4(EP300):c.191T>C (p.Leu64Pro)

Gene: EP300 (EP300 lysine acetyltransferase; plus strand). Cytogenetic location: 22q13.2.
Variant type: single nucleotide variant.
Coding change: c.191T>C on transcript NM_001429.4 (MANE Select); coding-DNA position 191, T replaced by C.
Protein change: p.Leu64Pro; replaces leucine 64 with proline.
Molecular consequence: missense variant.
Genome position (GRCh38, 1-based): chr22:41,117,283, T>C. VCF-style: chr22-41117283-T-C. GRCh37 (hg19) VCF-style: chr22-41513287-T-C.
Other names: c.191T>C (NM_001429.3); c.191T>C, p.Leu64Pro (NM_001362843.2); short protein forms L64P.
Identifiers: ClinVar variation 2653194 (VCV002653194.25), dbSNP rs761323972, ClinGen allele CA411679849.

ClinVar aggregate classification (germline): Uncertain significance. Review status: criteria provided, multiple submitters, no conflicts (2 of 4 stars). 2 submissions from 2 submitters: Uncertain significance (2). Last evaluated 2025-04-24.

Conditions:
EP300-related disorder. Also called: EP300-related condition; EP300-related disorders.

gnomAD v4.1: 1 of 1,614,200 alleles (0.000062%); highest among the groups gnomAD compares: Non-Finnish European, 0.000085%; no homozygotes.

Submissions (2):

PreventionGenetics, part of Exact Sciences
Classification: Uncertain significance for EP300-related condition. Last evaluated: 2025-04-24. Review status: criteria provided, single submitter. Criteria: ACMG Guidelines, 2015. Collection method: clinical testing. Allele origin: germline.
Comment: The EP300 c.191T>C variant is predicted to result in the amino acid substitution p.Leu64Pro. To our knowledge, this variant has not been reported in the literature or in a large population database (gnomAD), indicating this variant is rare. At this time, the clinical significance of this variant is uncertain due to the absence of conclusive functional and genetic evidence.

CeGaT Center for Human Genetics Tuebingen
Classification: Uncertain significance. Last evaluated: 2022-10-01. Review status: criteria provided, single submitter. Criteria: CeGaT Center For Human Genetics Tuebingen Variant Classification Criteria Version 2. Collection method: clinical testing. Allele origin: germline. Affected: yes. Observed: 1 variant allele.
Comment: EP300: PM2, PP3